The following is an entry in ClinVar:

ClinVar aggregate classification (germline): Likely benign. Review status: criteria provided, multiple submitters, no conflicts (2 of 4 stars). 3 submissions from 3 submitters: Likely benign (2). 1 of the submissions does not count toward it. Last evaluated 2024-03-23.

Conditions:
SMARCA4-related disorder. Also called: SMARCA4-related condition.
Hereditary cancer-predisposing syndrome. Also called: Hereditary neoplastic syndrome; Neoplastic Syndromes, Hereditary; Tumor predisposition; Hereditary Cancer Syndrome. Identifiers: Orphanet 140162, MedGen C0027672, MeSH D009386, MONDO:0015356.
Rhabdoid tumor predisposition syndrome 2 (RTPS2). Identifiers: Orphanet 231108, Orphanet 69077, MedGen C2750074, MONDO:0013224, OMIM 613325.

gnomAD v4.1: 2 of 1,613,894 alleles (0.00012%); highest among the groups gnomAD compares: African/African-American, 0.0027%; no homozygotes.

Submissions (3):

Labcorp Genetics (formerly Invitae), Labcorp
Classification: Likely benign for Rhabdoid tumor predisposition syndrome 2. Last evaluated: 2024-03-23. Review status: criteria provided, single submitter. Criteria: Invitae Variant Classification Sherloc (09022015). Collection method: clinical testing. Allele origin: germline.

Ambry Genetics
Classification: Likely benign for Hereditary cancer-predisposing syndrome. Last evaluated: 2022-04-19. Review status: criteria provided, single submitter. Criteria: Ambry Variant Classification Scheme 2023. Collection method: clinical testing. Allele origin: germline.

PreventionGenetics, part of Exact Sciences
Classification: Likely benign for SMARCA4-related condition. Last evaluated: 2022-09-27. Review status: no assertion criteria provided. Collection method: clinical testing. Allele origin: germline. Not counted in ClinVar's aggregate classification.
Comment: This variant is classified as likely benign based on ACMG/AMP sequence variant interpretation guidelines (Richards et al. 2015 PMID: 25741868, with internal and published modifications).

NM_003072.5(SMARCA4):c.4614C>G (p.Thr1538=)

Gene: SMARCA4 (SWI/SNF related BAF chromatin remodeling complex subunit ATPase 4; plus strand). Cytogenetic location: 19p13.2.
Variant type: single nucleotide variant.
Coding change: c.4614C>G on transcript NM_003072.5 (MANE Select); coding-DNA position 4614, C replaced by G.
Protein change: p.Thr1538=; no amino-acid change (threonine 1538 retained).
Molecular consequence: synonymous variant. On other transcripts: non-coding transcript variant (1).
Genome position (GRCh38, 1-based): chr19:11,058,868, C>G. VCF-style: chr19-11058868-C-G. GRCh37 (hg19) VCF-style: chr19-11169544-C-G.
Other names: c.4614C>G, p.Thr1538= (NM_001128844.3); c.4524C>G, p.Thr1508= (NM_001128845.2); c.4521C>G, p.Thr1507= (NM_001128846.2); c.4515C>G, p.Thr1505= (NM_001128847.4, NM_001374457.1); c.4512C>G, p.Thr1504= (NM_001128848.2); c.4710C>G, p.Thr1570= (NM_001128849.3, NM_001387283.1).
Identifiers: ClinVar variation 1124987 (VCV001124987.13), dbSNP rs1060504460, ClinGen allele CA505494988.